The following is an entry in ClinVar:

ClinVar aggregate classification (germline): Benign (1 of 4 stars; one submission).

Submission:

Laboratory for Molecular Medicine, Mass General Brigham Personalized Medicine
Classification: Benign. Last evaluated: 2016-03-28. Review status: criteria provided, single submitter. Criteria: LMM Criteria. Collection method: clinical testing. Allele origin: germline.
Comment: Variant identified in a genome or exome case(s) and assessed due to predicted null impact of the variant or pathogenic assertions in the literature or databases. Disclaimer: This variant has not undergone full assessment. The following are preliminary notes: Frequency

NM_001249.5(ENTPD5):c.442-14dup

Gene: ENTPD5 (ectonucleoside triphosphate diphosphohydrolase 5 (inactive); minus strand). Cytogenetic location: 14q24.3.
Variant type: Duplication.
Coding change: c.442-14dup on transcript NM_001249.5 (MANE Select); 14 bases into the intron before coding-DNA position 442, one base duplicated (T; older notation c.442-14dupT).
Molecular consequence: intron variant.
Genome position (GRCh38, 1-based): chr14:73,977,388, A duplicated on the plus strand (T on the coding strand, the reverse complement: ENTPD5 is on the minus strand); the first of 15 consecutive A bases (chr14:73,977,388-73,977,402); duplicating any one gives the same sequence. VCF-style (leftmost placement, unchanged base first): chr14-73977387-G-GA. GRCh37 (hg19) VCF-style: chr14-74444090-G-GA.
Other names: NM_001249.2:c.442-14dupT; c.442-14dup (NM_001382258.1, NM_001382262.1, NM_001382260.1 and 10 more transcripts).
Identifiers: ClinVar variation 402829 (VCV000402829.4), dbSNP rs201751093, ClinGen allele CA7264928.